The following is an entry in ClinVar:

ClinVar aggregate classification (germline): Conflicting classifications of pathogenicity. Review status: criteria provided, conflicting classifications (1 of 4 stars). 6 submissions from 6 submitters: Uncertain significance (4); Likely benign (2). Last evaluated 2026-08-25.

Conditions:
Inborn genetic diseases. Identifiers: MedGen C0950123, MeSH D030342.
FAT4-related disorder. Also called: FAT4-related condition.

Allele frequency attached by ClinVar (database versions not stated): ExAC 0.00002; gnomAD 0.00004 and 0.00005; TOPMed 0.00005; ESP Exome Variant Server 0.00008.
gnomAD v4.1: 66 of 1,614,126 alleles (0.0041%); highest among the groups gnomAD compares: African/African-American, 0.059%; no homozygotes.

Submissions (6):

PreventionGenetics, part of Exact Sciences
Classification: Uncertain significance for FAT4-related condition. Last evaluated: 2026-08-25. Review status: criteria provided, single submitter. Criteria: ACMG Guidelines, 2015. Collection method: clinical testing. Allele origin: germline.
Comment: The FAT4 c.2689A>G variant is predicted to result in the amino acid substitution p.Ile897Val. To our knowledge, this variant has not been reported in the literature. This variant is reported in 0.012% of alleles in individuals of African descent in gnomAD. At this time, the clinical significance of this variant is uncertain due to the absence of conclusive functional and genetic evidence.

Ambry Genetics
Classification: Likely benign for Inborn genetic diseases. Last evaluated: 2025-09-10. Review status: criteria provided, single submitter. Criteria: Ambry Variant Classification Scheme 2023. Collection method: clinical testing. Allele origin: germline.

CeGaT Center for Human Genetics Tuebingen
Classification: Uncertain significance. Last evaluated: 2024-05-01. Review status: criteria provided, single submitter. Criteria: CeGaT Center For Human Genetics Tuebingen Variant Classification Criteria Version 2. Collection method: clinical testing. Allele origin: germline. Affected: yes. Observed: 2 variant alleles.
Comment: FAT4: PM2, BP4

Blueprint Genetics
Classification: Likely benign. Last evaluated: 2024-02-20. Review status: criteria provided, single submitter. Criteria: ACMG Guidelines, 2015. Collection method: clinical testing. Allele origin: germline.

Labcorp Genetics (formerly Invitae), Labcorp
Classification: Uncertain significance. Last evaluated: 2023-12-13. Review status: criteria provided, single submitter. Criteria: Invitae Variant Classification Sherloc (09022015). Collection method: clinical testing. Allele origin: germline.
Comment: This sequence change replaces isoleucine, which is neutral and non-polar, with valine, which is neutral and non-polar, at codon 897 of the FAT4 protein (p.Ile897Val). This variant is present in population databases (rs112101185, gnomAD 0.01%). This variant has not been reported in the literature in individuals affected with FAT4-related conditions. ClinVar contains an entry for this variant (Variation ID: 1365451). Advanced modeling of protein sequence and biophysical properties (such as structural, functional, and spatial information, amino acid conservation, physicochemical variation, residue mobility, and thermodynamic stability) performed at Invitae indicates that this missense variant is not expected to disrupt FAT4 protein function with a negative predictive value of 80%. In summary, the available evidence is currently insufficient to determine the role of this variant in disease. Therefore, it has been classified as a Variant of Uncertain Significance.

Breakthrough Genomics
Classification: Uncertain significance. Review status: criteria provided, single submitter. Criteria: ACMG Guidelines, 2015. Collection method: not provided. Allele origin: germline. Inheritance: Autosomal recessive inheritance. Affected: yes.

NM_001291303.3(FAT4):c.2689A>G (p.Ile897Val)

Gene: FAT4 (FAT atypical cadherin 4; plus strand). Cytogenetic location: 4q28.1.
Variant type: single nucleotide variant.
Coding change: c.2689A>G on transcript NM_001291303.3 (MANE Select); coding-DNA position 2689, A replaced by G.
Protein change: p.Ile897Val; replaces isoleucine 897 with valine.
Molecular consequence: missense variant.
Genome position (GRCh38, 1-based): chr4:125,319,100, A>G. VCF-style: chr4-125319100-A-G. GRCh37 (hg19) VCF-style: chr4-126240255-A-G.
Other names: c.2689A>G (NM_001291303.1, NM_024582.4); c.2689A>G, p.Ile897Val (NM_001291285.3, NM_024582.6); short protein forms I897V.
Identifiers: ClinVar variation 1365451 (VCV001365451.32), dbSNP rs112101185, ClinGen allele CA3072196.